The following is an entry in ClinVar:

NM_000171.4(GLRA1):c.184+6G>A

Gene: GLRA1 (glycine receptor alpha 1; minus strand). Cytogenetic location: 5q33.1.
Variant type: single nucleotide variant.
Coding change: c.184+6G>A on transcript NM_000171.4 (MANE Select); 6 bases into the intron after coding-DNA position 184, G replaced by A.
Molecular consequence: intron variant.
Genome position (GRCh38, 1-based): chr5:151,892,305, C>T on the plus strand (G>A on the coding strand, the complement: GLRA1 is on the minus strand). VCF-style: chr5-151892305-C-T. GRCh37 (hg19) VCF-style: chr5-151271866-C-T.
Other names: c.-65-5517G>A (NM_001292000.2); c.184+6G>A (NM_001146040.2).
Identifiers: ClinVar variation 944934 (VCV000944934.9), dbSNP rs1754097765, ClinGen allele CA1139659210.
Genomic context (GRCh38, chr5:151,892,305, plus strand): 5'-ATGCTGCTTGCTGCTTTAATCTGGGAAAGCATTTCCCTGTGGGTCTGGAAGGAATATTTT[C>T]TCTACCTTTAAAATTGGGCCTGATCCTGGCATCATATCCGGAGGTTCTCCCCATTAGCTT-3'

ClinVar aggregate classification (germline): Uncertain significance (1 of 4 stars; one submission).

Conditions:
Hereditary hyperekplexia. Identifiers: Orphanet 3197, MedGen C4084968, MONDO:0021022.

Submission:

Labcorp Genetics (formerly Invitae), Labcorp
Classification: Uncertain significance for Hereditary hyperekplexia. Last evaluated: 2019-05-07. Review status: criteria provided, single submitter. Criteria: Invitae Variant Classification Sherloc (09022015). Collection method: clinical testing. Allele origin: germline.
Comment: This variant is not present in population databases (ExAC no frequency). This sequence change falls in intron 2 of the GLRA1 gene. It does not directly change the encoded amino acid sequence of the GLRA1 protein, but it affects a nucleotide within the consensus splice site of the intron. This variant has not been reported in the literature in individuals with GLRA1-related conditions. Nucleotide substitutions within the consensus splice site are a relatively common cause of aberrant splicing (PMID: 17576681, 9536098). Algorithms developed to predict the effect of sequence changes on RNA splicing suggest that this variant is not likely to affect RNA splicing, but this prediction has not been confirmed by published transcriptional studies. In summary, the available evidence is currently insufficient to determine the role of this variant in disease. Therefore, it has been classified as a Variant of Uncertain Significance.

Literature cited by the submitters: PubMed 17576681; PubMed 9536098.